The following is an entry in ClinVar:

ClinVar aggregate classification (germline): Pathogenic (1 of 4 stars; one submission).

Conditions:
Hypoplastic enamel-onycholysis-hypohidrosis syndrome (TNS). Also called: ECTODERMAL DYSPLASIA 3, TOOTH/NAIL TYPE; WITKOP SYNDROME; NAIL DYSPLASIA WITH HYPODONTIA; Tooth-and-Nail Syndrome; ECTODERMAL DYSPLASIA 3, WITKOP TYPE. Identifiers: Orphanet 2228, MedGen C0406735, MONDO:0008582, OMIM 189500.

Submission:

Labcorp Genetics (formerly Invitae), Labcorp
Classification: Pathogenic for Hypoplastic enamel-onycholysis-hypohidrosis syndrome. Last evaluated: 2025-07-09. Review status: criteria provided, single submitter. Criteria: Invitae Variant Classification Sherloc (09022015). Collection method: clinical testing. Allele origin: germline.
Comment: This sequence change creates a premature translational stop signal (p.Leu123Aspfs*38) in the MSX1 gene. While this is not anticipated to result in nonsense mediated decay, it is expected to disrupt the last 181 amino acid(s) of the MSX1 protein. This variant is not present in population databases (gnomAD no frequency). This variant has not been reported in the literature in individuals affected with MSX1-related conditions. This variant disrupts a region of the MSX1 protein in which other variant(s) (p.Ser208*) have been determined to be pathogenic (PMID: 11369996). This suggests that this is a clinically significant region of the protein, and that variants that disrupt it are likely to be disease-causing. For these reasons, this variant has been classified as Pathogenic.

Literature cited by the submitters: PubMed 11369996.

NM_002448.3(MSX1):c.364_365dup (p.Leu123fs)

Gene: MSX1 (msh homeobox 1; plus strand). Cytogenetic location: 4p16.2.
Variant type: Duplication.
Coding change: c.364_365dup on transcript NM_002448.3 (MANE Select); coding-DNA positions 364 to 365, 2 bases duplicated (GG; older notation c.364_365dupGG).
Protein change: p.Leu123fs; shifts the reading frame from leucine 123.
Molecular consequence: frameshift variant.
Genome position (GRCh38, 1-based): chr4:4,860,263-4,860,264, GG duplicated; duplicating any 2 consecutive bases within chr4:4,860,259-4,860,264 gives the same sequence; the c. name uses the placement nearest the transcript's 3' end. VCF-style (leftmost placement, unchanged base first): chr4-4860258-T-TGG. GRCh37 (hg19) VCF-style: chr4-4861985-T-TGG.
Other names: short protein forms L123fs.
Identifiers: ClinVar variation 4722939 (VCV004722939.1).